The following is an entry in ClinVar:

NM_015335.5(MED13L):c.3540T>C (p.Leu1180=)

Gene: MED13L (mediator complex subunit 13L; minus strand). Cytogenetic location: 12q24.21.
Variant type: single nucleotide variant.
Coding change: c.3540T>C on transcript NM_015335.5 (MANE Select); coding-DNA position 3540, T replaced by C.
Protein change: p.Leu1180=; no amino-acid change (leucine 1180 retained).
Molecular consequence: synonymous variant.
Genome position (GRCh38, 1-based): chr12:115,991,414, A>G on the plus strand (T>C on the coding strand, the complement: MED13L is on the minus strand). VCF-style: chr12-115991414-A-G. GRCh37 (hg19) VCF-style: chr12-116429219-A-G.
Identifiers: ClinVar variation 4681955 (VCV004681955.5).

ClinVar aggregate classification (germline): Likely benign (1 of 4 stars; one submission).

Submission:

CeGaT Center for Human Genetics Tuebingen
Classification: Likely benign. Last evaluated: 2025-12-01. Review status: criteria provided, single submitter. Criteria: CeGaT Center For Human Genetics Tuebingen Variant Classification Criteria Version 2. Collection method: clinical testing. Allele origin: germline. Affected: yes. Observed: 1 variant allele.
Comment: MED13L: PM2:Supporting, BP4, BP7